The following is an entry in ClinVar:

NM_006918.5(SC5D):c.661C>T (p.Pro221Ser)

Gene: SC5D (sterol-C5-desaturase; plus strand). Cytogenetic location: 11q24.1.
Variant type: single nucleotide variant.
Coding change: c.661C>T on transcript NM_006918.5 (MANE Select); coding-DNA position 661, C replaced by T.
Protein change: p.Pro221Ser; replaces proline 221 with serine.
Molecular consequence: missense variant.
Genome position (GRCh38, 1-based): chr11:121,307,273, C>T. VCF-style: chr11-121307273-C-T. GRCh37 (hg19) VCF-style: chr11-121177982-C-T.
Other names: c.661C>T, p.Pro221Ser (NM_001024956.3); short protein forms P221S.
Identifiers: ClinVar variation 2875108 (VCV002875108.2), dbSNP rs747141427, ClinGen allele CA6328213.

ClinVar aggregate classification (germline): Uncertain significance (1 of 4 stars; one submission).

Allele frequency attached by ClinVar (database versions not stated): TOPMed below 0.00001; ExAC 0.00001; gnomAD exomes 0.00002.
gnomAD v4.1: 32 of 1,614,094 alleles (0.002%); highest among the groups gnomAD compares: Non-Finnish European, 0.0025%; no homozygotes.

Submission:

Labcorp Genetics (formerly Invitae), Labcorp
Classification: Uncertain significance. Last evaluated: 2025-05-27. Review status: criteria provided, single submitter. Criteria: Invitae Variant Classification Sherloc (09022015). Collection method: clinical testing. Allele origin: germline.
Comment: This sequence change replaces proline, which is neutral and non-polar, with serine, which is neutral and polar, at codon 221 of the SC5D protein (p.Pro221Ser). This variant is present in population databases (rs747141427, gnomAD 0.0009%). This variant has not been reported in the literature in individuals affected with SC5D-related conditions. ClinVar contains an entry for this variant (Variation ID: 2875108). Invitae Evidence Modeling of protein sequence and biophysical properties (such as structural, functional, and spatial information, amino acid conservation, physicochemical variation, residue mobility, and thermodynamic stability) indicates that this missense variant is not expected to disrupt SC5D protein function with a negative predictive value of 80%. In summary, the available evidence is currently insufficient to determine the role of this variant in disease. Therefore, it has been classified as a Variant of Uncertain Significance.